The following is an entry in ClinVar:

ClinVar aggregate classification (germline): Pathogenic/Likely pathogenic. Review status: criteria provided, multiple submitters, no conflicts (2 of 4 stars). 2 submissions from 2 submitters: Pathogenic (1); Likely pathogenic (1). Last evaluated 2026-03-02.

Conditions:
Hereditary hemorrhagic telangiectasia (HHT). Also called: ORW DISEASE; Osler Weber Rendu syndrome; OSLER-RENDU-WEBER DISEASE; Osler hemorrhagic telangiectasia syndrome. Identifiers: Orphanet 774, MedGen C0039445, MONDO:0019180. Disease mechanism: loss of function.
Cardiovascular phenotype. Identifiers: MedGen CN230736.

Submissions (2):

Ambry Genetics
Classification: Likely pathogenic for Cardiovascular phenotype. Last evaluated: 2026-03-02. Review status: criteria provided, single submitter. Criteria: Ambry Variant Classification Scheme 2023. Collection method: clinical testing. Allele origin: germline.
Comment: The p.V404A variant (also known as c.1211T>C), located in coding exon 9 of the ENG gene, results from a T to C substitution at nucleotide position 1211. The valine at codon 404 is replaced by alanine, an amino acid with similar properties. This variant was reported in individual(s) with features consistent with ENG-related hereditary hemorrhagic telangiectasia (Ambry internal data; external communication). This amino acid position is well conserved in available vertebrate species. In addition, the in silico prediction for this alteration is inconclusive. This variant is considered to be rare based on population cohorts in the Genome Aggregation Database (gnomAD). Based on the majority of available evidence to date, this variant is likely to be pathogenic.

Labcorp Genetics (formerly Invitae), Labcorp
Classification: Pathogenic for Hereditary hemorrhagic telangiectasia. Last evaluated: 2024-09-16. Review status: criteria provided, single submitter. Criteria: Invitae Variant Classification Sherloc (09022015). Collection method: clinical testing. Allele origin: germline.
Comment: This sequence change replaces valine, which is neutral and non-polar, with alanine, which is neutral and non-polar, at codon 404 of the ENG protein (p.Val404Ala). This variant is not present in population databases (gnomAD no frequency). This missense change has been observed in individual(s) with hereditary hemorrhagic telangiectasia (internal data). It has also been observed to segregate with disease in related individuals. ClinVar contains an entry for this variant (Variation ID: 1750547). Invitae Evidence Modeling of protein sequence and biophysical properties (such as structural, functional, and spatial information, amino acid conservation, physicochemical variation, residue mobility, and thermodynamic stability) indicates that this missense variant is expected to disrupt ENG protein function with a positive predictive value of 95%. For these reasons, this variant has been classified as Pathogenic.

NM_001114753.3(ENG):c.1211T>C (p.Val404Ala)

Genes: ENG (endoglin; minus strand), LOC102723566 (uncharacterized LOC102723566; plus strand). Cytogenetic location: 9q34.11.
Variant type: single nucleotide variant.
Coding change: c.1211T>C on transcript NM_001114753.3 (MANE Select); coding-DNA position 1211, T replaced by C.
Protein change: p.Val404Ala; replaces valine 404 with alanine.
Molecular consequence: missense variant.
Genome position (GRCh38, 1-based): chr9:127,819,961, A>G on the plus strand (T>C on the coding strand, the complement: ENG is on the minus strand). VCF-style: chr9-127819961-A-G. GRCh37 (hg19) VCF-style: chr9-130582240-A-G.
Other names: c.1211T>C, p.Val404Ala (NM_000118.4); c.665T>C, p.Val222Ala (NM_001278138.2); short protein forms V222A, V404A.
Identifiers: ClinVar variation 1750547 (VCV001750547.5), dbSNP rs2539064206, ClinGen allele CA374978466.